The following is an entry in ClinVar:

ClinVar aggregate classification (germline): Likely pathogenic. Review status: criteria provided, multiple submitters, no conflicts (2 of 4 stars). 3 submissions from 3 submitters: Likely pathogenic (3). Last evaluated 2025-05-27.

Conditions:
TTN-related disorder. Also called: TTN-related disorders; TTN-related condition; TTN-related disease.
Autosomal recessive limb-girdle muscular dystrophy type 2J (LGMDR10). Also called: Limb-girdle muscular dystrophy, type 2J; MUSCULAR DYSTROPHY, LIMB-GIRDLE, AUTOSOMAL RECESSIVE 10. Identifiers: Orphanet 140922, MedGen C1837342, MONDO:0012127, OMIM 608807.
Dilated cardiomyopathy 1G (CMD1G). Identifiers: Orphanet 154, MedGen C1858763, MONDO:0011400, OMIM 604145.

gnomAD v4.1: 1 of 1,600,022 alleles (0.000062%); highest among the groups gnomAD compares: Non-Finnish European, 0.000085%; no homozygotes.

Submissions (3):

Labcorp Genetics (formerly Invitae), Labcorp
Classification: Likely pathogenic for Dilated cardiomyopathy 1G; Autosomal recessive limb-girdle muscular dystrophy type 2J. Last evaluated: 2025-05-27. Review status: criteria provided, single submitter. Criteria: Invitae Variant Classification Sherloc (09022015). Collection method: clinical testing. Allele origin: germline.
Comment: This sequence change creates a premature translational stop signal (p.Arg17972*) in the TTN gene. While this is not anticipated to result in nonsense mediated decay, it is expected to create a truncated TTN protein. This variant is not present in population databases (gnomAD no frequency). This premature translational stop signal has been observed in individual(s) with dilated cardiomyopathy (internal data). ClinVar contains an entry for this variant (Variation ID: 2936377). This variant is located in the A band of TTN (PMID: 25589632). Truncating variants in this region are significantly overrepresented in patients affected with dilated cardiomyopathy (PMID: 25589632). Truncating variants in this region have also been reported in individuals affected with autosomal recessive centronuclear myopathy (PMID: 23975875). In summary, the currently available evidence indicates that the variant is pathogenic, but additional data are needed to prove that conclusively. Therefore, this variant has been classified as Likely Pathogenic.

Blueprint Genetics
Classification: Likely pathogenic for TTN-related disorders. Last evaluated: 2024-04-15. Review status: criteria provided, single submitter. Criteria: ACMG Guidelines, 2015. Collection method: clinical testing. Allele origin: germline. Affected: yes. Observed: 1 variant allele.

Clinical Genetics Service, Universitary Hospital 12 de Octubre
Classification: Likely pathogenic for Dilated cardiomyopathy 1G. Review status: criteria provided, single submitter. Criteria: ACMG Guidelines, 2015. Collection method: clinical testing. Allele origin: germline. Affected: yes.

Literature cited by the submitters: PubMed 25589632 (cited by Labcorp Genetics (formerly Invitae), Labcorp); PubMed 23975875 (cited by Labcorp Genetics (formerly Invitae), Labcorp).

NM_001267550.2(TTN):c.53914C>T (p.Arg17972Ter)

Genes: TTN (titin; minus strand), TTN-AS1 (TTN antisense RNA 1; plus strand). Cytogenetic location: 2q31.2.
Variant type: single nucleotide variant.
Coding change: c.53914C>T on transcript NM_001267550.2 (MANE Select); coding-DNA position 53914, C replaced by T.
Protein change: p.Arg17972Ter; replaces arginine 17972 with a stop codon.
Molecular consequence: nonsense. On other transcripts: non-coding transcript variant (1).
Genome position (GRCh38, 1-based): chr2:178,605,263, G>A on the plus strand (C>T on the coding strand, the complement: TTN is on the minus strand). VCF-style: chr2-178605263-G-A. GRCh37 (hg19) VCF-style: chr2-179469990-G-A.
Other names: c.48991C>T, p.Arg16331Ter (NM_001256850.1); c.26719C>T, p.Arg8907Ter (NM_003319.4); c.46210C>T, p.Arg15404Ter (NM_133378.4); c.27094C>T, p.Arg9032Ter (NM_133432.3); c.27295C>T, p.Arg9099Ter (NM_133437.4); short protein forms R15404*, R8907*, R9032*, R9099*, R16331*, R17972*.
Identifiers: ClinVar variation 2936377 (VCV002936377.5), dbSNP rs748278337, ClinGen allele CA349557603.